The following is an entry in ClinVar:

NC_012920.1(MT-ND4L):m.10489A>G

Gene: MT-ND4L (mitochondrially encoded NADH dehydrogenase 4L; plus strand).
Variant type: single nucleotide variant.
Genome position: chrM-10489-A-G.
Identifiers: ClinVar variation 693291 (VCV000693291.1), dbSNP rs1603222854, ClinGen allele CA414805538.
Genomic context (GRCh38, chrMT:10,489, plus strand): 5'-ATGATTTCGACTCATTAAATTATGATAATCATATTTACCAAATGCCCCTCATTTACATAA[A>G]TATTATACTAGCATTTACCATCTCACTTCTAGGAATACTAGTATATCGCTCACACCTCAT-3'

ClinVar aggregate classification (germline): Uncertain significance (1 of 4 stars; one submission).

Conditions:
Leigh syndrome (NULS). Also called: Leigh's necrotizing encephalopathy; Leigh's disease; Leigh Syndrome (mtDNA deletion); Leigh Disease; Subacute necrotizing encephalopathy; Necrotizing encephalopathy infantile subacute of Leigh. Identifiers: Orphanet 506, MedGen C2931891, MONDO:0009723, OMIM 256000.

Submission:

Wong Mito Lab, Molecular and Human Genetics, Baylor College of Medicine
Classification: Uncertain significance for Leigh syndrome. Last evaluated: 2019-10-17. Review status: criteria provided, single submitter. Criteria: Modified ACMG Guidelines (Unpublished). Collection method: clinical testing. Allele origin: germline.
Comment: The NC_012920.1:m.10489A>G (YP_003024034.1:p.Asn7Ser) variant in MTND4L gene is interpretated to be a Uncertain Significance variant based on the modified ACMG guidelines (unpublished). This variant meets the following evidence codes: PP7, BP4